The following is an entry in ClinVar:

ClinVar aggregate classification (germline): Uncertain significance (1 of 4 stars; one submission).

Submission:

Labcorp Genetics (formerly Invitae), Labcorp
Classification: Uncertain significance. Last evaluated: 2022-03-01. Review status: criteria provided, single submitter. Criteria: Invitae Variant Classification Sherloc (09022015). Collection method: clinical testing. Allele origin: germline.
Comment: This sequence change falls in intron 4 of the CLCC1 gene. It does not directly change the encoded amino acid sequence of the CLCC1 protein. It affects a nucleotide within the consensus splice site. This variant is present in population databases (rs761212478, gnomAD 0.01%). This variant has not been reported in the literature in individuals affected with CLCC1-related conditions. Variants that disrupt the consensus splice site are a relatively common cause of aberrant splicing (PMID: 17576681, 9536098). Algorithms developed to predict the effect of sequence changes on RNA splicing suggest that this variant may disrupt the consensus splice site. In summary, the available evidence is currently insufficient to determine the role of this variant in disease. Therefore, it has been classified as a Variant of Uncertain Significance.

Literature cited by the submitters: PubMed 17576681; PubMed 9536098.

NM_001377458.1(CLCC1):c.339+3_339+6del

Gene: CLCC1 (chloride channel CLIC like 1; minus strand). Cytogenetic location: 1p13.3.
Variant type: Deletion.
Coding change: c.339+3_339+6del on transcript NM_001377458.1 (MANE Select); bases 3 to 6 of the intron after coding-DNA position 339, 4 bases deleted (GAGT; older notation c.339+3_339+6delGAGT).
Molecular consequence: splice donor variant.
Genome position (GRCh38, 1-based): chr1:108,947,605-108,947,608, ACTC deleted on the plus strand (GAGT on the coding strand, the reverse complement: CLCC1 is on the minus strand); deleting any 4 consecutive bases within chr1:108,947,605-108,947,610 gives the same sequence; the c. name uses the placement nearest the transcript's 3' end. VCF-style (leftmost placement, unchanged base first): chr1-108947604-TACTC-T. GRCh37 (hg19) VCF-style: chr1-109490226-TACTC-T.
Other names: c.339+3_339+6del (NM_001377464.1, NM_001377462.1, NM_001377467.1 and 11 more transcripts); c.237+3_237+6del (NM_001377469.1); c.-124+3_-124+6del (NM_001377470.1).
Identifiers: ClinVar variation 1479460 (VCV001479460.3), dbSNP rs761212478, ClinGen allele CA983625.
Genomic context (GRCh38, chr1:108,947,604, plus strand): 5'-TATTATTTGAAATTAATAAATAAAAATATACACTATACGGATTAGTATCACACCATCAAA[TACTC>T]ACAAGTCCAAGCTTTCCAGCTTCAATTAAAATCTTATTTAAGTATCTCCTAAAAACAGGA-3'